The following is an entry in ClinVar:

ClinVar aggregate classification (germline): Pathogenic. Review status: criteria provided, single submitter (1 of 4 stars). 3 submissions from 3 submitters: Pathogenic (1). 2 of the submissions do not count toward it.

Conditions:
Arthrogryposis multiplex congenita 6. Identifiers: MedGen C5543431, MONDO:0030281, OMIM 619334.
Nemaline myopathy 2 (NEM2). Also called: Nemaline myopathy 2, autosomal recessive. Identifiers: MedGen C1850569, MONDO:0009725, OMIM 256030.

Submissions (3):

Juno Genomics, Hangzhou Juno Genomics, Inc
Classification: Pathogenic for Arthrogryposis multiplex congenita 6; Nemaline myopathy 2. Review status: criteria provided, single submitter. Criteria: ACMG Guidelines, 2015. Collection method: clinical testing. Allele origin: germline.
Comment: Absent from controls (or at extremely low frequency if recessive) in Genome Aggregation Database.;Null variant in a gene where loss of function (LOF) is a known mechanism of disease.;For recessive disorders, detected in trans with a pathogenic variant.;Patient's phenotype or family history is highly specific for a disease with a single genetic etiology.;Co-segregation with disease in multiple affected family members.

Counsyl
Classification: Likely pathogenic for Nemaline myopathy 2. Last evaluated: 2018-03-02. Review status: no assertion criteria provided. Collection method: clinical testing. Allele origin: unknown. Not counted in ClinVar's aggregate classification.

OMIM
Classification: Pathogenic for ARTHROGRYPOSIS MULTIPLEX CONGENITA 6. Last evaluated: 2002-10-01. Review status: no assertion criteria provided. Collection method: literature only. Allele origin: germline. Not counted in ClinVar's aggregate classification.

Literature cited by the submitters: PubMed 24725366 (cited by Counsyl); PubMed 10051637 (cited by OMIM); PubMed 12207937 (cited by OMIM).

NM_001164508.2(NEB):c.23421_23422del (p.Arg7807fs)

Genes: RIF1 (replication timing regulatory factor 1; plus strand), NEB (nebulin; minus strand). Cytogenetic location: 2q23.3.
Variant type: Microsatellite.
Coding change: c.23421_23422del on transcript NM_001164508.2 (MANE Select); coding-DNA positions 23421 to 23422, 2 bases deleted (AG; older notation c.23421_23422delAG).
Protein change: p.Arg7807fs; shifts the reading frame from arginine 7807.
Molecular consequence: frameshift variant.
Genome position (GRCh38, 1-based): chr2:151,508,034-151,508,035, CT deleted on the plus strand (AG on the coding strand, the reverse complement: NEB is on the minus strand); deleting any 2 consecutive bases within chr2:151,508,034-151,508,039 gives the same sequence; the c. name uses the placement nearest the transcript's 3' end. VCF-style (leftmost placement, unchanged base first): chr2-151508033-ACT-A. GRCh37 (hg19) VCF-style: chr2-152364547-ACT-A.
Other names: c.18318_18319del, p.Arg6106fs (NM_004543.5); c.23421_23422del, p.Arg7807fs (NM_001164507.2); c.23526_23527del, p.Arg7842fs (NM_001271208.2); short protein forms R6106fs, R7807fs, R7842fs.
Identifiers: ClinVar variation 557005 (VCV000557005.5), dbSNP rs1553603400, ClinGen allele CA658821219.